The following is an entry in ClinVar:

ClinVar aggregate classification (germline): Likely benign. Review status: criteria provided, single submitter (1 of 4 stars). 2 submissions from 2 submitters: Likely benign (1). 1 of the submissions does not count toward it. Last evaluated 2025-12-02.

Conditions:
Chédiak-Higashi syndrome (CHS). Also called: Chediak-Higashi Syndrome. Identifiers: Orphanet 167, MedGen C0007965, MONDO:0008963, OMIM 214500.
LYST-related disorder. Also called: LYST-related condition.

gnomAD v4.1: 4 of 1,584,736 alleles (0.00025%); highest among the groups gnomAD compares: Non-Finnish European, 0.00034%; no homozygotes.

Submissions (2):

Labcorp Genetics (formerly Invitae), Labcorp
Classification: Likely benign for Chédiak-Higashi syndrome. Last evaluated: 2025-12-02. Review status: criteria provided, single submitter. Criteria: Invitae Variant Classification Sherloc (09022015). Collection method: clinical testing. Allele origin: germline.

PreventionGenetics, part of Exact Sciences
Classification: Likely benign for LYST-related condition. Last evaluated: 2019-03-07. Review status: no assertion criteria provided. Collection method: clinical testing. Allele origin: germline. Not counted in ClinVar's aggregate classification.
Comment: This variant is classified as likely benign based on ACMG/AMP sequence variant interpretation guidelines (Richards et al. 2015 PMID: 25741868, with internal and published modifications).

NM_000081.4(LYST):c.9825A>C (p.Thr3275=)

Gene: LYST (lysosomal trafficking regulator; minus strand). Cytogenetic location: 1q42.3.
Variant type: single nucleotide variant.
Coding change: c.9825A>C on transcript NM_000081.4 (MANE Select); coding-DNA position 9825, A replaced by C.
Protein change: p.Thr3275=; no amino-acid change (threonine 3275 retained).
Molecular consequence: synonymous variant.
Genome position (GRCh38, 1-based): chr1:235,712,157, T>G on the plus strand (A>C on the coding strand, the complement: LYST is on the minus strand). VCF-style: chr1-235712157-T-G. GRCh37 (hg19) VCF-style: chr1-235875457-T-G.
Other names: c.9825A>C, p.Thr3275= (NM_001301365.1).
Identifiers: ClinVar variation 2768299 (VCV002768299.5), dbSNP rs1188072059, ClinGen allele CA423763573.